The following is an entry in ClinVar:

NM_001134831.2(AHI1):c.2754C>T (p.Tyr918=)

Gene: AHI1 (Abelson helper integration site 1; minus strand). Cytogenetic location: 6q23.3.
Variant type: single nucleotide variant.
Coding change: c.2754C>T on transcript NM_001134831.2 (MANE Select); coding-DNA position 2754, C replaced by T.
Protein change: p.Tyr918=; no amino-acid change (tyrosine 918 retained).
Molecular consequence: synonymous variant.
Genome position (GRCh38, 1-based): chr6:135,427,177, G>A on the plus strand (C>T on the coding strand, the complement: AHI1 is on the minus strand). VCF-style: chr6-135427177-G-A. GRCh37 (hg19) VCF-style: chr6-135748315-G-A.
Other names: c.2754C>T (NM_017651.4); c.2754C>T, p.Tyr918= (NM_001134830.2, NM_001134832.2, NM_001350503.2 and 2 more transcripts).
Identifiers: ClinVar variation 1100273 (VCV001100273.11), dbSNP rs371949853, ClinGen allele CA4012288.

ClinVar aggregate classification (germline): Likely benign. Review status: criteria provided, multiple submitters, no conflicts (2 of 4 stars). 3 submissions from 3 submitters: Likely benign (2). 1 of the submissions does not count toward it. Last evaluated 2026-03-17.

Conditions:
AHI1-related disorder. Also called: AHI1-related condition.
Joubert syndrome. Also called: Familial aplasia of the vermis; JOUBERT-BOLTSHAUSER SYNDROME. Identifiers: Orphanet 475, MedGen C5979921, MONDO:0018772.

Allele frequency attached by ClinVar (database versions not stated): ESP Exome Variant Server 0.00008; ExAC 0.00002; gnomAD 0.00002 and 0.00003; gnomAD exomes 0.00004 and 0.00005; TOPMed 0.00005.
gnomAD v4.1: 61 of 1,609,332 alleles (0.0038%); highest among the groups gnomAD compares: Non-Finnish European, 0.0045%; no homozygotes.

Submissions (3):

Women's Health and Genetics/Laboratory Corporation of America, LabCorp
Classification: Likely benign. Last evaluated: 2026-03-17. Review status: criteria provided, single submitter. Criteria: LabCorp Variant Classification Summary - May 2015. Collection method: clinical testing. Allele origin: germline.

Labcorp Genetics (formerly Invitae), Labcorp
Classification: Likely benign for Joubert syndrome. Last evaluated: 2026-01-26. Review status: criteria provided, single submitter. Criteria: Invitae Variant Classification Sherloc (09022015). Collection method: clinical testing. Allele origin: germline.

PreventionGenetics, part of Exact Sciences
Classification: Likely benign for AHI1-related condition. Last evaluated: 2024-08-05. Review status: no assertion criteria provided. Collection method: clinical testing. Allele origin: germline. Not counted in ClinVar's aggregate classification.
Comment: This variant is classified as likely benign based on ACMG/AMP sequence variant interpretation guidelines (Richards et al. 2015 PMID: 25741868, with internal and published modifications).